The following is an entry in ClinVar:

ClinVar aggregate classification (germline): Uncertain significance (1 of 4 stars; one submission).

Conditions:
Primary ciliary dyskinesia 33. Also called: CILIARY DYSKINESIA, PRIMARY, 33, WITHOUT SITUS INVERSUS. Identifiers: Orphanet 244, MedGen C4225230, MONDO:0014750, OMIM 616726.

Allele frequency attached by ClinVar (database versions not stated): gnomAD 0.00003.
gnomAD v4.1: 7 of 1,415,322 alleles (0.00049%); highest among the groups gnomAD compares: Admixed American, 0.0075%; no homozygotes.

Submission:

Labcorp Genetics (formerly Invitae), Labcorp
Classification: Uncertain significance for Primary ciliary dyskinesia 33. Last evaluated: 2021-12-16. Review status: criteria provided, single submitter. Criteria: Invitae Variant Classification Sherloc (09022015). Collection method: clinical testing. Allele origin: germline.
Comment: In summary, the available evidence is currently insufficient to determine the role of this variant in disease. Therefore, it has been classified as a Variant of Uncertain Significance. Experimental studies and prediction algorithms are not available or were not evaluated, and the functional significance of this variant is currently unknown. This variant has not been reported in the literature in individuals affected with GAS8-related conditions. This variant is not present in population databases (gnomAD no frequency). This sequence change affects the initiator methionine of the GAS8 mRNA. The next in-frame methionine is located at codon 26.

NM_001481.3(DRC4):c.1A>T (p.Met1Leu)

Gene: DRC4 (dynein regulatory complex subunit 4; plus strand). Cytogenetic location: 16q24.3.
Variant type: single nucleotide variant.
Coding change: c.1A>T on transcript NM_001481.3 (MANE Select); coding-DNA position 1, A replaced by T.
Protein change: p.Met1Leu; changes the start codon (methionine 1).
Molecular consequence: missense variant, initiator codon variant. On other transcripts: 5 prime UTR variant (2), intron variant (1).
Genome position (GRCh38, 1-based): chr16:90,022,722, A>T. VCF-style: chr16-90022722-A-T. GRCh37 (hg19) VCF-style: chr16-90089130-A-T.
Other names: c.-372A>T (NM_001286205.2); c.-644A>T (NM_001286208.2); c.-73+2954A>T (NM_001286209.2); short protein forms M1L.
Identifiers: ClinVar variation 2177470 (VCV002177470.5), dbSNP rs1057484078, ClinGen allele CA286640977.
Genomic context (GRCh38, chr16:90,022,722, plus strand): 5'-TGGCTTCCGGGGGCGGGCGCCCTGGTCCCGGAGTCGCCGCTGGGCCTGTCCGCTGGCGTC[A>T]TGGTGAGCAGGGGCGGGAGCGGGGCTGGGGTCCTCGGCAGGGGCCCGGAGACCTCGGGGC-3'
Protein context (NP_001472.1, residues 1-11): [Met1Leu]APKKKGKKGK